The following is an entry in ClinVar:

NM_182643.3(DLC1):c.1348+28867G>A

Gene: DLC1 (DLC1 Rho GTPase activating protein; minus strand). Cytogenetic location: 8p22.
Variant type: single nucleotide variant.
Coding change: c.1348+28867G>A on transcript NM_182643.3 (MANE Select); 28867 bases into the intron after coding-DNA position 1348, G replaced by A.
Molecular consequence: intron variant. On other transcripts: 5 prime UTR variant (8).
Genome position (GRCh38, 1-based): chr8:13,276,402, C>T on the plus strand (G>A on the coding strand, the complement: DLC1 is on the minus strand). VCF-style: chr8-13276402-C-T. GRCh37 (hg19) VCF-style: chr8-13133911-C-T.
Other names: c.-563G>A (NM_001413133.1); c.-2G>A (NM_001413134.1, NM_001316668.2, NM_001413129.1 and 1 more transcripts); c.-104+28867G>A (NM_001348082.2); c.1348+28867G>A (NM_001348081.2, NM_001413124.1, NM_001413125.1); c.-186+205G>A (NM_001413126.1); c.-264+205G>A (NM_001413127.1); c.-186+293G>A (NM_001348083.1); c.-244G>A (NM_001413128.1); and 2 more.
Identifiers: ClinVar variation 4981900 (VCV004981900.1).

ClinVar aggregate classification (germline): Likely benign (1 of 4 stars; one submission).

Conditions:
DLC1-related disorder. Also called: DLC1-related condition.

gnomAD v4.1: 28 of 1,479,076 alleles (0.0019%); highest among the groups gnomAD compares: African/African-American, 0.0029%; no homozygotes.

Submission:

PreventionGenetics, part of Exact Sciences
Classification: Likely benign for DLC1-related condition. Last evaluated: 2025-07-31. Review status: criteria provided, single submitter. Criteria: ACMG Guidelines, 2015. Collection method: clinical testing. Allele origin: germline.
Comment: This variant is classified as likely benign based on ACMG/AMP sequence variant interpretation guidelines (Richards et al. 2015 PMID: 25741868, with internal and published modifications).